The following is an entry in ClinVar:

NM_001103.4(ACTN2):c.2643C>T (p.Tyr881=)

Gene: ACTN2 (actinin alpha 2; plus strand). Cytogenetic location: 1q43.
Variant type: single nucleotide variant.
Coding change: c.2643C>T on transcript NM_001103.4 (MANE Select); coding-DNA position 2643, C replaced by T.
Protein change: p.Tyr881=; no amino-acid change (tyrosine 881 retained).
Molecular consequence: synonymous variant.
Genome position (GRCh38, 1-based): chr1:236,762,577, C>T. VCF-style: chr1-236762577-C-T. GRCh37 (hg19) VCF-style: chr1-236925877-C-T.
Other names: c.2643C>T, p.Tyr881= (NM_001278343.2); c.2019C>T, p.Tyr673= (NM_001278344.2).
Identifiers: ClinVar variation 179860 (VCV000179860.25), dbSNP rs727505177, ClinGen allele CA185290.
Genomic context (GRCh38, chr1:236,762,577, plus strand): 5'-CTGCATCAAGAGGATGCCCGCCTACTCGGGCCCAGGCAGTGTGCCTGGTGCACTGGATTA[C>T]GCTGCGTTCTCTTCCGCACTCTACGGGGAGAGCGATCTGTGATGCTGAGCTTCTGTAATC-3'
Protein context (NP_001094.1, residues 871-891): GPGSVPGALD[Tyr881=]AAFSSALYGE

ClinVar aggregate classification (germline): Likely benign. Review status: criteria provided, multiple submitters, no conflicts (2 of 4 stars). 9 submissions from 9 submitters: Likely benign (9). Last evaluated 2025-12-17.

Conditions:
ACTN2-related disorder. Also called: ACTN2 related condition; ACTN2-related disorders.
Primary familial hypertrophic cardiomyopathy (HCM). Identifiers: Orphanet 99739, MedGen C0949658, MeSH D024741, MONDO:0024573. Inheritance: Various modes of inheritance.
Dilated cardiomyopathy 1AA (CMD1AA). Also called: Cardiomyopathy, dilated, 1AA, with or without LVNC; CARDIOMYOPATHY, DILATED, 1AA, WITH OR WITHOUT LEFT VENTRICULAR NONCOMPACTION; CARDIOMYOPATHY, FAMILIAL HYPERTROPHIC, 23, WITH OR WITHOUT LEFT VENTRICULAR NONCOMPACTION. Identifiers: Orphanet 154, MedGen C2677338, MONDO:0012808, OMIM 612158.
Cardiovascular phenotype. Identifiers: MedGen CN230736.
Cardiomyopathy (CMYO). Also called: Cardiomyopathies. Identifiers: Orphanet 167848, MedGen C0878544, MONDO:0004994, HP:0001638. Inheritance: Various modes of inheritance.

Allele frequency attached by ClinVar (database versions not stated): gnomAD exomes 0.00002 and 0.00004; TOPMed 0.00004; ExAC 0.00002; gnomAD 0.00002.
gnomAD v4.1: 57 of 1,614,038 alleles (0.0035%); highest among the groups gnomAD compares: Non-Finnish European, 0.0047%; no homozygotes.

Submissions (9):

PreventionGenetics, part of Exact Sciences
Classification: Likely benign for ACTN2-related condition. Last evaluated: 2025-12-17. Review status: criteria provided, single submitter. Criteria: ACMG Guidelines, 2015. Collection method: clinical testing. Allele origin: germline.
Comment: This variant is classified as likely benign based on ACMG/AMP sequence variant interpretation guidelines (Richards et al. 2015 PMID: 25741868, with internal and published modifications).

Labcorp Genetics (formerly Invitae), Labcorp
Classification: Likely benign for Primary familial hypertrophic cardiomyopathy; Dilated cardiomyopathy 1AA. Last evaluated: 2025-12-09. Review status: criteria provided, single submitter. Criteria: Invitae Variant Classification Sherloc (09022015). Collection method: clinical testing. Allele origin: germline.

Molecular Diagnostic Laboratory for Inherited Cardiovascular Disease, Montreal Heart Institute
Classification: Likely benign. Last evaluated: 2025-04-09. Review status: criteria provided, single submitter. Criteria: ACMG Guidelines, 2015. Collection method: clinical testing. Allele origin: germline. Affected: no.
Comment: BP6;BP7

Blueprint Genetics
Classification: Likely benign. Last evaluated: 2024-01-18. Review status: criteria provided, single submitter. Criteria: ACMG Guidelines, 2015. Collection method: clinical testing. Allele origin: germline.

Women's Health and Genetics/Laboratory Corporation of America, LabCorp
Classification: Likely benign. Last evaluated: 2023-07-22. Review status: criteria provided, single submitter. Criteria: LabCorp Variant Classification Summary - May 2015. Collection method: clinical testing. Allele origin: germline.

GeneDx
Classification: Likely benign. Last evaluated: 2020-02-05. Review status: criteria provided, single submitter. Criteria: GeneDx Variant Classification Process June 2021. Collection method: clinical testing. Allele origin: germline. Affected: yes.

Ambry Genetics
Classification: Likely benign for Cardiovascular phenotype. Last evaluated: 2019-07-23. Review status: criteria provided, single submitter. Criteria: Ambry Variant Classification Scheme 2023. Collection method: clinical testing. Allele origin: germline.

CHEO Genetics Diagnostic Laboratory, Children's Hospital of Eastern Ontario
Classification: Likely benign for Cardiomyopathy. Last evaluated: 2016-11-08. Review status: criteria provided, single submitter. Criteria: ACMG Guidelines, 2015. Collection method: clinical testing. Allele origin: germline. Study: Canadian Open Genetics Repository.

Laboratory for Molecular Medicine, Mass General Brigham Personalized Medicine
Classification: Likely benign. Last evaluated: 2014-07-09. Review status: criteria provided, single submitter. Criteria: LMM Criteria. Collection method: clinical testing. Allele origin: germline. Observed: 1 variant allele.
Comment: Tyr881Tyr in exon 21 of ACTN2: This variant is not expected to have clinical si gnificance because it does not alter an amino acid residue and is not located wi thin the splice consensus sequence.